The following is an entry in ClinVar:

NM_012106.4(ARL2BP):c.6C>G (p.Asp2Glu)

Gene: ARL2BP (ARF like GTPase 2 binding protein; plus strand). Cytogenetic location: 16q13.
Variant type: single nucleotide variant.
Coding change: c.6C>G on transcript NM_012106.4 (MANE Select); coding-DNA position 6, C replaced by G.
Protein change: p.Asp2Glu; replaces aspartic acid 2 with glutamic acid.
Molecular consequence: missense variant.
Genome position (GRCh38, 1-based): chr16:57,245,373, C>G. VCF-style: chr16-57245373-C-G. GRCh37 (hg19) VCF-style: chr16-57279285-C-G.
Other names: short protein forms D2E.
Identifiers: ClinVar variation 1406667 (VCV001406667.5), dbSNP rs372559396, ClinGen allele CA396023865.
Genomic context (GRCh38, chr16:57,245,373, plus strand): 5'-CCCTGCATGCGAGTTGGGCCGCGGGCGGGGTTGGAGCCTACTCGGGGCGACTGCGATGGA[C>G]GCCTTAGAAGGAGAGAGCTTTGCGCTGTCTTTGTGAGTAGCTCCTCCAGGGCGCAGGCGA-3'
Protein context (NP_036238.1, residues 1-12): M[Asp2Glu]ALEGESFALS

ClinVar aggregate classification (germline): Uncertain significance (1 of 4 stars; one submission).

gnomAD v4.1: 9 of 1,607,012 alleles (0.00056%); highest among the groups gnomAD compares: African/African-American, 0.012%; no homozygotes.

Submission:

Labcorp Genetics (formerly Invitae), Labcorp
Classification: Uncertain significance. Last evaluated: 2022-07-01. Review status: criteria provided, single submitter. Criteria: Invitae Variant Classification Sherloc (09022015). Collection method: clinical testing. Allele origin: germline.
Comment: This variant is present in population databases (no rsID available, gnomAD 0.01%). This sequence change replaces aspartic acid, which is acidic and polar, with glutamic acid, which is acidic and polar, at codon 2 of the ARL2BP protein (p.Asp2Glu). This variant has not been reported in the literature in individuals affected with ARL2BP-related conditions. ClinVar contains an entry for this variant (Variation ID: 1406667). Algorithms developed to predict the effect of missense changes on protein structure and function are either unavailable or do not agree on the potential impact of this missense change (SIFT: "Tolerated"; PolyPhen-2: "Not Available"; Align-GVGD: "Class C0"). In summary, the available evidence is currently insufficient to determine the role of this variant in disease. Therefore, it has been classified as a Variant of Uncertain Significance.